The following is an entry in ClinVar:

ClinVar aggregate classification (germline): Uncertain significance (1 of 4 stars; one submission).

Conditions:
Hereditary cancer-predisposing syndrome. Also called: Tumor predisposition; Neoplastic Syndromes, Hereditary; Hereditary Cancer Syndrome; Hereditary neoplastic syndrome. Identifiers: Orphanet 140162, MedGen C0027672, MeSH D009386, MONDO:0015356.

Submission:

Ambry Genetics
Classification: Uncertain significance for Hereditary cancer-predisposing syndrome. Last evaluated: 2024-12-29. Review status: criteria provided, single submitter. Criteria: Ambry Variant Classification Scheme 2023. Collection method: clinical testing. Allele origin: germline.
Comment: The p.A475S variant (also known as c.1423G>T), located in coding exon 9 of the MEN1 gene, results from a G to T substitution at nucleotide position 1423. The alanine at codon 475 is replaced by serine, an amino acid with similar properties. This amino acid position is conserved. In addition, the in silico prediction for this alteration is inconclusive. Based on the available evidence, the clinical significance of this variant remains unclear.

NM_001370259.2(MEN1):c.1423G>T (p.Ala475Ser)

Gene: MEN1 (menin 1; minus strand). Cytogenetic location: 11q13.1.
Variant type: single nucleotide variant.
Coding change: c.1423G>T on transcript NM_001370259.2 (MANE Select); coding-DNA position 1423, G replaced by T.
Protein change: p.Ala475Ser; replaces alanine 475 with serine.
Molecular consequence: missense variant. On other transcripts: non-coding transcript variant (4).
Genome position (GRCh38, 1-based): chr11:64,804,744, C>A on the plus strand (G>T on the coding strand, the complement: MEN1 is on the minus strand). VCF-style: chr11-64804744-C-A. GRCh37 (hg19) VCF-style: chr11-64572216-C-A.
Other names: c.1438G>T, p.Ala480Ser (NM_000244.4, NM_001407145.1, NM_130800.3 and 4 more transcripts); c.1549G>T, p.Ala517Ser (NM_001370251.2, NM_001407142.1, NM_001407143.1 and 1 more transcripts); c.1423G>T, p.Ala475Ser (NM_001370260.2, NM_001370261.2, NM_001407146.1 and 2 more transcripts); c.1318G>T, p.Ala440Ser (NM_001370262.2, NM_001370263.2, NM_001407148.1 and 1 more transcripts); c.1564G>T, p.Ala522Ser (NM_001407150.1); c.1444G>T, p.Ala482Ser (NM_001407151.1); c.1258G>T, p.Ala420Ser (NM_001407152.1); short protein forms A420S, A475S, A517S, A480S, A482S, A522S, A440S.
Identifiers: ClinVar variation 3872235 (VCV003872235.1).